The following is an entry in ClinVar:

NM_000088.4(COL1A1):c.589-20T>C

Gene: COL1A1 (collagen type I alpha 1 chain; minus strand). Cytogenetic location: 17q21.33.
Variant type: single nucleotide variant.
Coding change: c.589-20T>C on transcript NM_000088.4 (MANE Select); 20 bases into the intron before coding-DNA position 589, T replaced by C.
Molecular consequence: intron variant.
Genome position (GRCh38, 1-based): chr17:50,198,022, A>G on the plus strand (T>C on the coding strand, the complement: COL1A1 is on the minus strand). VCF-style: chr17-50198022-A-G. GRCh37 (hg19) VCF-style: chr17-48275383-A-G.
Identifiers: ClinVar variation 512519 (VCV000512519.14), dbSNP rs370564344, ClinGen allele CA8645644.
Genomic context (GRCh38, chr17:50,198,022, plus strand): 5'-TCGCCAGGCTCACCAGGGGGACCTTGGAAGCCTTGGGGACCCTTGAGAAGAAGGAAAAAG[A>G]TGGGTTAGAAGACAAGTCCCTGTCAACCTTCTCCAATCTTACCAAGAGATCTCTGAGCAT-3'

ClinVar aggregate classification (germline): Benign/Likely benign. Review status: criteria provided, multiple submitters, no conflicts (2 of 4 stars). 6 submissions from 6 submitters: Benign (1); Likely benign (5). Last evaluated 2026-01-01.

Conditions:
Osteogenesis imperfecta, perinatal lethal (OI2). Also called: Osteogenesis imperfecta type 2; Osteogenesis imperfecta, dominant perinatal lethal; OSTEOGENESIS IMPERFECTA, TYPE II; VROLIK TYPE OF OSTEOGENESIS IMPERFECTA; OI, TYPE II; OSTEOGENESIS IMPERFECTA CONGENITA. Identifiers: Orphanet 216804, MedGen C0268358, MONDO:0008147, OMIM 166210.
Osteogenesis imperfecta type III (OI3). Also called: Osteogenesis imperfecta type 3; OI type 3; Osteogenesis imperfecta, progressively deforming with normal sclerae; OI type III; Progressively Deforming Osteogenesis Imperfecta. Identifiers: Orphanet 216812, Orphanet 666, MedGen C0268362, MONDO:0009804, OMIM 259420.
Infantile cortical hyperostosis. Also called: Caffey Disease; Hyperostosis, Cortical, Congenital; P1PK BLOOD GROUP SYSTEM, P(2) PHENOTYPE. Identifiers: Orphanet 1310, MedGen C0020497, MONDO:0007244, OMIM 114000.
Osteogenesis imperfecta type I (OI1). Also called: Lobstein's Disease; Lobstein disease; Osteogenesis imperfecta type 1; OI, TYPE I; OSTEOGENESIS IMPERFECTA TARDA; OSTEOGENESIS IMPERFECTA WITH BLUE SCLERAE. Identifiers: Orphanet 216796, Orphanet 666, MedGen C0023931, MONDO:0008146, OMIM 166200. Disease mechanism: loss of function.
Osteoporosis. Identifiers: MedGen C0029456, MONDO:0005298, OMIM 166710, HP:0000939.
Ehlers-Danlos syndrome, arthrochalasia type. Also called: Ehlers-Danlos syndrome, arthrochalasis type; ARTHROCHALASIS MULTIPLEX CONGENITA; EDS VII, MUTANT PROCOLLAGEN TYPE; EDS VIIA; Ehlers-Danlos syndrome, arthrochalasia type, 1. Identifiers: Orphanet 1899, Orphanet 99875, Orphanet 99876, MedGen C4551623, MONDO:0007525, OMIM 130060.
Combined osteogenesis imperfecta and Ehlers-Danlos syndrome 1. Also called: OIEDS SYNDROME 1. Identifiers: MedGen C5436842, MONDO:0030854, OMIM 619115.
Osteogenesis imperfecta with normal sclerae, dominant form (OI4). Also called: OSTEOGENESIS IMPERFECTA, TYPE IV, WITH DENTINOGENESIS IMPERFECTA; Osteogenesis imperfecta type 4; OSTEOGENESIS IMPERFECTA WITH NORMAL SCLERAE; Osteogenesis Imperfecta Type IV; Common Variable Osteogenesis Imperfecta with Normal Sclerae. Identifiers: Orphanet 216820, Orphanet 666, MedGen C0268363, MONDO:0008148, OMIM 166220.

Allele frequency attached by ClinVar (database versions not stated): gnomAD 0.00006 and 0.00007; TOPMed 0.00006; gnomAD exomes 0.00013 and 0.00004; ESP Exome Variant Server 0.00023; ExAC 0.00003.

Submissions (6):

Labcorp Genetics (formerly Invitae), Labcorp
Classification: Likely benign for Osteogenesis imperfecta type I. Last evaluated: 2026-01-01. Review status: criteria provided, single submitter. Criteria: Invitae Variant Classification Sherloc (09022015). Collection method: clinical testing. Allele origin: germline.

Women's Health and Genetics/Laboratory Corporation of America, LabCorp
Classification: Benign. Last evaluated: 2025-01-07. Review status: criteria provided, single submitter. Criteria: LabCorp Variant Classification Summary - May 2015. Collection method: clinical testing. Allele origin: germline.
Comment: Variant summary: COL1A1 c.589-20T>C alters a nucleotide located at a position not widely known to affect splicing. Consensus agreement among computation tools predict no significant impact on normal splicing (TrAP). However, these predictions have yet to be confirmed by functional studies. The variant allele was found at a frequency of 4.4e-05 in 250982 control chromosomes. The observed variant frequency is approximately 1.56 fold of the estimated maximal expected allele frequency for a pathogenic variant in COL1A1 causing Osteogenesis Imperfecta phenotype (2.8e-05). To our knowledge, no occurrence of c.589-20T>C in individuals affected with Osteogenesis Imperfecta and no experimental evidence demonstrating its impact on protein function have been reported. ClinVar contains an entry for this variant (Variation ID: 512519). Based on the evidence outlined above, the variant was classified as benign.

ARUP Laboratories, Molecular Genetics and Genomics, ARUP Laboratories
Classification: Likely benign. Last evaluated: 2024-11-26. Review status: criteria provided, single submitter. Criteria: ARUP Molecular Germline Variant Investigation Process 2024. Collection method: clinical testing. Allele origin: germline.

Blueprint Genetics
Classification: Likely benign. Last evaluated: 2024-11-26. Review status: criteria provided, single submitter. Criteria: ACMG Guidelines, 2015. Collection method: clinical testing. Allele origin: germline.

Fulgent Genetics
Classification: Likely benign for Infantile cortical hyperostosis; Ehlers-Danlos syndrome, arthrochalasia type; Osteogenesis imperfecta type I; Osteogenesis imperfecta, perinatal lethal; Osteogenesis imperfecta with normal sclerae, dominant form; Osteoporosis; Osteogenesis imperfecta type III; Combined osteogenesis imperfecta and Ehlers-Danlos syndrome 1. Last evaluated: 2021-12-13. Review status: criteria provided, single submitter. Criteria: ACMG Guidelines, 2015. Collection method: clinical testing. Allele origin: unknown.

GeneDx
Classification: Likely benign. Last evaluated: 2017-10-05. Review status: criteria provided, single submitter. Criteria: GeneDx Variant Classification (06012015). Collection method: clinical testing. Allele origin: germline. Affected: yes.
Comment: This variant is considered likely benign or benign based on one or more of the following criteria: it is a conservative change, it occurs at a poorly conserved position in the protein, it is predicted to be benign by multiple in silico algorithms, and/or has population frequency not consistent with disease.